The following is an entry in ClinVar:

NM_006231.4(POLE):c.3958C>T (p.Arg1320Ter)

Gene: POLE (DNA polymerase epsilon, catalytic subunit; minus strand). Cytogenetic location: 12q24.33.
Variant type: single nucleotide variant.
Coding change: c.3958C>T on transcript NM_006231.4 (MANE Select); coding-DNA position 3958, C replaced by T.
Protein change: p.Arg1320Ter; replaces arginine 1320 with a stop codon.
Molecular consequence: nonsense.
Genome position (GRCh38, 1-based): chr12:132,649,353, G>A on the plus strand (C>T on the coding strand, the complement: POLE is on the minus strand). VCF-style: chr12-132649353-G-A. GRCh37 (hg19) VCF-style: chr12-133225939-G-A.
Other names: short protein forms R1320*.
Identifiers: ClinVar variation 405882 (VCV000405882.7), dbSNP rs754411056, ClinGen allele CA16613662.

ClinVar aggregate classification (germline): Conflicting classifications of pathogenicity. Review status: criteria provided, conflicting classifications (1 of 4 stars). 2 submissions from 2 submitters: Pathogenic (1); Uncertain significance (1). Last evaluated 2025-09-24.

Conditions:
Hereditary cancer-predisposing syndrome. Also called: Hereditary Cancer Syndrome; Hereditary neoplastic syndrome; Neoplastic Syndromes, Hereditary; Tumor predisposition. Identifiers: Orphanet 140162, MedGen C0027672, MeSH D009386, MONDO:0015356.

Allele frequency attached by ClinVar (database versions not stated): TOPMed below 0.00001; gnomAD exomes 0.00001.
gnomAD v4.1: 4 of 1,613,588 alleles (0.00025%); highest among the groups gnomAD compares: South Asian, 0.0011%; no homozygotes.

Submissions (2):

Labcorp Genetics (formerly Invitae), Labcorp
Classification: Pathogenic. Last evaluated: 2025-09-24. Review status: criteria provided, single submitter. Criteria: Invitae Variant Classification Sherloc (09022015). Collection method: clinical testing. Allele origin: germline.
Comment: This sequence change creates a premature translational stop signal (p.Arg1320*) in the POLE gene. It is expected to result in an absent or disrupted protein product. Loss-of-function variants in POLE are known to be pathogenic (PMID: 23230001, 25948378, 30503519). This variant is present in population databases (no rsID available, gnomAD 0.003%). This variant has not been reported in the literature in individuals affected with POLE-related conditions. ClinVar contains an entry for this variant (Variation ID: 405882). For these reasons, this variant has been classified as Pathogenic.

Ambry Genetics
Classification: Uncertain significance for Hereditary cancer-predisposing syndrome. Last evaluated: 2025-01-09. Review status: criteria provided, single submitter. Criteria: Ambry Variant Classification Scheme 2023. Collection method: clinical testing. Allele origin: germline.
Comment: The p.R1320* variant (also known as c.3958C>T), located in coding exon 31 of the POLE gene, results from a C to T substitution at nucleotide position 3958. This changes the amino acid from an arginine to a stop codon within coding exon 31. This alteration is expected to result in loss of function by premature protein truncation or nonsense-mediated mRNA decay. Loss-of-function variants subject to nonsense mediated decay (NMD) in POLE are known to cause POLE deficiency; however, such associations with POLE-related polymerase proofreading-associated polyposis (PPAP) have not been reported. Based on the supporting evidence, this alteration is pathogenic for POLE deficiency; however, the association of this alteration with POLE-related PPAP is unknown.

Literature cited by the submitters: PubMed 23230001 (cited by Labcorp Genetics (formerly Invitae), Labcorp); PubMed 25948378 (cited by Labcorp Genetics (formerly Invitae), Labcorp); PubMed 30503519 (cited by Labcorp Genetics (formerly Invitae), Labcorp).